The following is an entry in ClinVar:

ClinVar aggregate classification (germline): Uncertain significance (1 of 4 stars; one submission).

Submission:

Ambry Genetics
Classification: Uncertain significance. Last evaluated: 2024-12-21. Review status: criteria provided, single submitter. Criteria: Ambry Variant Classification Scheme 2023. Collection method: clinical testing. Allele origin: germline.
Comment: The p.E1193K variant (also known as c.3577G>A), located in coding exon 13 of the CDK12 gene, results from a G to A substitution at nucleotide position 3577. The glutamic acid at codon 1193 is replaced by lysine, an amino acid with similar properties. This amino acid position is conserved. In addition, this alteration is predicted to be tolerated by in silico analysis. Based on the available evidence, the clinical significance of this variant remains unclear.

NM_016507.4(CDK12):c.3577G>A (p.Glu1193Lys)

Gene: CDK12 (cyclin dependent kinase 12; plus strand). Cytogenetic location: 17q12.
Variant type: single nucleotide variant.
Coding change: c.3577G>A on transcript NM_016507.4 (MANE Select); coding-DNA position 3577, G replaced by A.
Protein change: p.Glu1193Lys; replaces glutamic acid 1193 with lysine.
Molecular consequence: missense variant.
Genome position (GRCh38, 1-based): chr17:39,526,133, G>A. VCF-style: chr17-39526133-G-A. GRCh37 (hg19) VCF-style: chr17-37682386-G-A.
Other names: c.3577G>A, p.Glu1193Lys (NM_015083.4); short protein forms E1193K.
Identifiers: ClinVar variation 3830393 (VCV003830393.1).